The following is an entry in ClinVar:

ClinVar aggregate classification (germline): Uncertain significance (1 of 4 stars; one submission).

Submission:

Labcorp Genetics (formerly Invitae), Labcorp
Classification: Uncertain significance. Last evaluated: 2025-12-23. Review status: criteria provided, single submitter. Criteria: Invitae Variant Classification Sherloc (09022015). Collection method: clinical testing. Allele origin: germline.
Comment: This sequence change replaces alanine, which is neutral and non-polar, with proline, which is neutral and non-polar, at codon 2002 of the POLE protein (p.Ala2002Pro). This variant also falls at the last nucleotide of exon 43, which is part of the consensus splice site for this exon. This variant is not present in population databases (gnomAD no frequency). This variant has not been reported in the literature in individuals affected with POLE-related conditions. ClinVar contains an entry for this variant (Variation ID: 2912753). An algorithm developed to predict the effect of missense changes on protein structure and function (PolyPhen-2) suggests that this variant is likely to be disruptive. Variants that disrupt the consensus splice site are a relatively common cause of aberrant splicing (PMID: 17576681, 9536098). Studies have shown that this missense change is associated with inconclusive levels of altered splicing (internal data). In summary, the available evidence is currently insufficient to determine the role of this variant in disease. Therefore, it has been classified as a Variant of Uncertain Significance.

Literature cited by the submitters: PubMed 17576681; PubMed 9536098.

NM_006231.4(POLE):c.6004G>C (p.Ala2002Pro)

Gene: POLE (DNA polymerase epsilon, catalytic subunit; minus strand). Cytogenetic location: 12q24.33.
Variant type: single nucleotide variant.
Coding change: c.6004G>C on transcript NM_006231.4 (MANE Select); coding-DNA position 6004, G replaced by C.
Protein change: p.Ala2002Pro; replaces alanine 2002 with proline.
Molecular consequence: missense variant.
Genome position (GRCh38, 1-based): chr12:132,634,186, C>G on the plus strand (G>C on the coding strand, the complement: POLE is on the minus strand). VCF-style: chr12-132634186-C-G. GRCh37 (hg19) VCF-style: chr12-133210772-C-G.
Other names: short protein forms A2002P.
Identifiers: ClinVar variation 2912753 (VCV002912753.3), dbSNP rs1262266978, ClinGen allele CA387371397.